The following is an entry in ClinVar:

NM_016284.5(CNOT1):c.2383G>A (p.Gly795Arg)

Gene: CNOT1 (CCR4-NOT transcription complex subunit 1; minus strand). Cytogenetic location: 16q21.
Variant type: single nucleotide variant.
Coding change: c.2383G>A on transcript NM_016284.5 (MANE Select); coding-DNA position 2383, G replaced by A.
Protein change: p.Gly795Arg; replaces glycine 795 with arginine.
Molecular consequence: missense variant. On other transcripts: non-coding transcript variant (1).
Genome position (GRCh38, 1-based): chr16:58,556,943, C>T on the plus strand (G>A on the coding strand, the complement: CNOT1 is on the minus strand). VCF-style: chr16-58556943-C-T. GRCh37 (hg19) VCF-style: chr16-58590847-C-T.
Other names: c.2383G>A, p.Gly795Arg (NM_001265612.2, NM_206999.3); short protein forms G795R.
Identifiers: ClinVar variation 1309917 (VCV001309917.2), dbSNP rs2151938102, ClinGen allele CA396131067.

ClinVar aggregate classification (germline): Uncertain significance (1 of 4 stars; one submission).

Submission:

GeneDx
Classification: Uncertain significance. Last evaluated: 2019-11-02. Review status: criteria provided, single submitter. Criteria: GeneDx Variant Classification Process June 2021. Collection method: clinical testing. Allele origin: germline. Affected: yes.
Comment: Not observed in large population cohorts (Lek et al., 2016); In silico analysis, which includes protein predictors and evolutionary conservation, supports a deleterious effect; Has not been previously published as pathogenic or benign to our knowledge